The following is an entry in ClinVar:

ClinVar aggregate classification (germline): Uncertain significance (1 of 4 stars; one submission).

Submission:

Labcorp Genetics (formerly Invitae), Labcorp
Classification: Uncertain significance. Last evaluated: 2024-03-30. Review status: criteria provided, single submitter. Criteria: Invitae Variant Classification Sherloc (09022015). Collection method: clinical testing. Allele origin: germline.
Comment: This sequence change replaces aspartic acid, which is acidic and polar, with asparagine, which is neutral and polar, at codon 307 of the CACNA1D protein (p.Asp307Asn). This variant also falls at the last nucleotide of exon 6, which is part of the consensus splice site for this exon. This variant is not present in population databases (gnomAD no frequency). This variant has not been reported in the literature in individuals affected with CACNA1D-related conditions. An algorithm developed to predict the effect of missense changes on protein structure and function (PolyPhen-2) suggests that this variant is likely to be tolerated. Variants that disrupt the consensus splice site are a relatively common cause of aberrant splicing (PMID: 17576681, 9536098). Algorithms developed to predict the effect of sequence changes on RNA splicing suggest that this variant may disrupt the consensus splice site. In summary, the available evidence is currently insufficient to determine the role of this variant in disease. Therefore, it has been classified as a Variant of Uncertain Significance.

Literature cited by the submitters: PubMed 17576681; PubMed 9536098.

NM_001128840.3(CACNA1D):c.919G>A (p.Asp307Asn)

Gene: CACNA1D (calcium voltage-gated channel subunit alpha1 D; plus strand). Cytogenetic location: 3p21.1.
Variant type: single nucleotide variant.
Coding change: c.919G>A on transcript NM_001128840.3 (MANE Select); coding-DNA position 919, G replaced by A.
Protein change: p.Asp307Asn; replaces aspartic acid 307 with asparagine.
Molecular consequence: missense variant.
Genome position (GRCh38, 1-based): chr3:53,665,812, G>A. VCF-style: chr3-53665812-G-A. GRCh37 (hg19) VCF-style: chr3-53699839-G-A.
Other names: c.919G>A, p.Asp307Asn (NM_000720.4, NM_001128839.3); short protein forms D307N.
Identifiers: ClinVar variation 3648194 (VCV003648194.2).
Genomic context (GRCh38, chr3:53,665,812, plus strand): 5'-ATTATAGGATTGGAACTTTTTATTGGAAAAATGCACAAAACATGTTTTTTTGCTGACTCA[G>A]GTGAGTAATGAGAATTGTAGCTAACTTAACTTTAAAATTTTTTTGTTTTCCCCAAAGCAA-3'
Protein context (NP_001122312.1, residues 297-317): MHKTCFFADS[Asp307Asn]IVAEEDPAPC